The following is an entry in ClinVar:

NM_000901.5(NR3C2):c.2090C>T (p.Pro697Leu)

Gene: NR3C2 (nuclear receptor subfamily 3 group C member 2; minus strand). Cytogenetic location: 4q31.23.
Variant type: single nucleotide variant.
Coding change: c.2090C>T on transcript NM_000901.5 (MANE Select); coding-DNA position 2090, C replaced by T.
Protein change: p.Pro697Leu; replaces proline 697 with leucine.
Molecular consequence: missense variant. On other transcripts: intron variant (2).
Genome position (GRCh38, 1-based): chr4:148,154,826, G>A on the plus strand (C>T on the coding strand, the complement: NR3C2 is on the minus strand). VCF-style: chr4-148154826-G-A. GRCh37 (hg19) VCF-style: chr4-149075977-G-A.
Other names: c.2015-2213C>T (NM_001354819.1, NM_001166104.2); short protein forms P697L.
Identifiers: ClinVar variation 451102 (VCV000451102.2), dbSNP rs1196633933, ClinGen allele CA358426764.

ClinVar aggregate classification (germline): Uncertain significance (1 of 4 stars; one submission).

Allele frequency attached by ClinVar (database versions not stated): gnomAD exomes below 0.00001.
gnomAD v4.1: 2 of 1,561,076 alleles (0.00013%); highest among the groups gnomAD compares: Non-Finnish European, 0.00017%; no homozygotes.

Submission:

GeneDx
Classification: Uncertain significance. Last evaluated: 2017-08-01. Review status: criteria provided, single submitter. Criteria: GeneDx Variant Classification (06012015). Collection method: clinical testing. Allele origin: germline. Affected: yes.
Comment: The P697L variant in the NR3C2 gene has not been reported previously as a pathogenic variant, nor as a benign variant, to our knowledge. This variant is not observed in large population cohorts (Lek et al., 2016; 1000 Genomes Consortium et al., 2015; Exome Variant Server). The P697L variant is a semi-conservative amino acid substitution, which may impact secondary protein structure as these residues differ in some properties. This substitution occurs at a position that is conserved in mammals. In silico analysis is inconsistent in its predictions as to whether or not the variant is damaging to the protein structure/function. We interpret P697L as a variant of uncertain significance.